The following is an entry in ClinVar:

NM_172107.4(KCNQ2):c.1503C>T (p.Ala501=)

Gene: KCNQ2 (potassium voltage-gated channel subfamily Q member 2; minus strand). Cytogenetic location: 20q13.33.
Variant type: single nucleotide variant.
Coding change: c.1503C>T on transcript NM_172107.4 (MANE Select); coding-DNA position 1503, C replaced by T.
Protein change: p.Ala501=; no amino-acid change (alanine 501 retained).
Molecular consequence: synonymous variant.
Genome position (GRCh38, 1-based): chr20:63,414,925, G>A on the plus strand (C>T on the coding strand, the complement: KCNQ2 is on the minus strand). VCF-style: chr20-63414925-G-A. GRCh37 (hg19) VCF-style: chr20-62046278-G-A.
Other names: c.1419C>T, p.Ala473= (NM_004518.6); c.1449C>T, p.Ala483= (NM_172106.3); c.1413C>T, p.Ala471= (NM_172108.5).
Identifiers: ClinVar variation 194284 (VCV000194284.48), dbSNP rs1801545, ClinGen allele CA240167.
Genomic context (GRCh38, chr20:63,414,925, plus strand): 5'-GGAGAGGATGGACCAGGAGAGGATGCGGCCACACCCACCTTCTGAGTTCTGCCGTGACGC[G>A]GCACCCTTGATGCGGAAAGCCTGGCGTGCCCGGCTGCGGTCCCCGAAGCTCCAGCTCTTG-3'
Protein context (NP_742105.1, residues 491-511): RARQAFRIKG[Ala501=]ASRQNSEEAS

ClinVar aggregate classification (germline): Conflicting classifications of pathogenicity. Review status: criteria provided, conflicting classifications (1 of 4 stars). 6 submissions from 6 submitters: Uncertain significance (1); Likely benign (5). Last evaluated 2026-06-01.

Conditions:
Early-infantile DEE. Also called: Ohtahara syndrome; Early infantile epileptic encephalopathy with suppression bursts; Early infantile epileptic encephalopathy. Identifiers: Orphanet 1934, MedGen C0393706, MONDO:0800491.
Inborn genetic diseases. Identifiers: MedGen C0950123, MeSH D030342.

Allele frequency attached by ClinVar (database versions not stated): TOPMed 0.00010; 1000 Genomes Project 30x 0.00016.
gnomAD v4.1: 142 of 1,612,552 alleles (0.0088%); highest among the groups gnomAD compares: Middle Eastern, 0.017%; no homozygotes.

Submissions (6):

CeGaT Center for Human Genetics Tuebingen
Classification: Likely benign. Last evaluated: 2026-06-01. Review status: criteria provided, single submitter. Criteria: CeGaT Center For Human Genetics Tuebingen Variant Classification Criteria Version 2. Collection method: clinical testing. Allele origin: germline. Affected: yes. Observed: 2 variant alleles.
Comment: KCNQ2: BP4, BP7

Labcorp Genetics (formerly Invitae), Labcorp
Classification: Likely benign for Early-infantile DEE. Last evaluated: 2026-01-01. Review status: criteria provided, single submitter. Criteria: Invitae Variant Classification Sherloc (09022015). Collection method: clinical testing. Allele origin: germline.

Blueprint Genetics
Classification: Likely benign. Last evaluated: 2024-08-27. Review status: criteria provided, single submitter. Criteria: ACMG Guidelines, 2015. Collection method: clinical testing. Allele origin: germline.

GeneDx
Classification: Likely benign. Last evaluated: 2020-04-02. Review status: criteria provided, single submitter. Criteria: GeneDx Variant Classification Process June 2021. Collection method: clinical testing. Allele origin: germline. Affected: yes.

Ambry Genetics
Classification: Likely benign for Inborn genetic diseases. Last evaluated: 2019-12-30. Review status: criteria provided, single submitter. Criteria: Ambry Variant Classification Scheme 2023. Collection method: clinical testing. Allele origin: germline.

Eurofins Ntd Llc (ga)
Classification: Uncertain significance. Last evaluated: 2015-05-27. Review status: criteria provided, single submitter. Criteria: EGL Classification Definitions 2015. Collection method: clinical testing. Allele origin: germline. Observed: 2 variant alleles, 2 heterozygotes.